The following is an entry in ClinVar:

ClinVar aggregate classification (germline): Likely pathogenic (1 of 4 stars; one submission).

Conditions:
Syndromic microphthalmia. Also called: Syndromic microphthalmia-anophthalmia-coloboma. Identifiers: Orphanet 202948, MedGen C5679782, MONDO:0016073.

Submission:

Genetics Department, University Hospital of Toulouse
Classification: Likely pathogenic for Syndromic microphthalmia. Last evaluated: 2025-10-05. Review status: criteria provided, single submitter. Criteria: ACMG Guidelines, 2015. Collection method: clinical testing. Allele origin: de novo. Affected: yes.
Comment: The NM_006852.6:c.1025T>C p.(Leu342Ser) is a missense variant in TLK2. It was classified as LP (PS2, PM2, PP3).

NM_006852.6(TLK2):c.1025T>C (p.Leu342Ser)

Gene: TLK2 (tousled like kinase 2; plus strand). Cytogenetic location: 17q23.2.
Variant type: single nucleotide variant.
Coding change: c.1025T>C on transcript NM_006852.6 (MANE Select); coding-DNA position 1025, T replaced by C.
Protein change: p.Leu342Ser; replaces leucine 342 with serine.
Molecular consequence: missense variant.
Genome position (GRCh38, 1-based): chr17:62,573,271, T>C. VCF-style: chr17-62573271-T-C. GRCh37 (hg19) VCF-style: chr17-60650632-T-C.
Other names: c.1025T>C, p.Leu342Ser (NM_001284333.3, NM_001375270.1, NM_001375271.1); c.929T>C, p.Leu310Ser (NM_001284363.1, NM_001375272.1, NM_001438203.1 and 1 more transcripts); c.578T>C, p.Leu193Ser (NM_001330418.3, NM_001375273.1); c.1067T>C, p.Leu356Ser (NM_001375269.1); c.740T>C, p.Leu247Ser (NM_001411074.1); c.836T>C, p.Leu279Ser (NM_001438205.1); short protein forms L193S, L247S, L279S, L310S, L342S, L356S.
Identifiers: ClinVar variation 4796484 (VCV004796484.1).